The following is an entry in ClinVar:

ClinVar aggregate classification (germline): Uncertain significance (1 of 4 stars; one submission).

Conditions:
DYNC2H1-related disorder. Also called: DYNC2H1-related condition; DYNC2H1-related disorders. Identifiers: MedGen CN378770.

Allele frequency attached by ClinVar (database versions not stated): TOPMed below 0.00001; ExAC 0.00001; gnomAD 0.00001; gnomAD exomes 0.00002.
gnomAD v4.1: 10 of 1,610,174 alleles (0.00062%); highest among the groups gnomAD compares: Admixed American, 0.0017%; no homozygotes.

Submission:

PreventionGenetics, part of Exact Sciences
Classification: Uncertain significance for DYNC2H1-related condition. Last evaluated: 2023-09-06. Review status: criteria provided, single submitter. Criteria: ACMG Guidelines, 2015. Collection method: clinical testing. Allele origin: germline.
Comment: The DYNC2H1 c.12048G>A variant is predicted to result in the amino acid substitution p.Met4016Ile. To our knowledge, this variant has not been reported in the literature. This variant is reported in 0.0080% of alleles in individuals of European (Finnish) descent in gnomAD. At this time, the clinical significance of this variant is uncertain due to the absence of conclusive functional and genetic evidence.

NM_001377.3(DYNC2H1):c.12027G>A (p.Met4009Ile)

Gene: DYNC2H1 (dynein cytoplasmic 2 heavy chain 1; plus strand). Cytogenetic location: 11q22.3.
Variant type: single nucleotide variant.
Coding change: c.12027G>A on transcript NM_001377.3 (MANE Select); coding-DNA position 12027, G replaced by A.
Protein change: p.Met4009Ile; replaces methionine 4009 with isoleucine.
Molecular consequence: missense variant.
Genome position (GRCh38, 1-based): chr11:103,323,978, G>A. VCF-style: chr11-103323978-G-A. GRCh37 (hg19) VCF-style: chr11-103194706-G-A.
Other names: c.12048G>A, p.Met4016Ile (NM_001080463.2); short protein forms M4009I, M4016I.
Identifiers: ClinVar variation 2630978 (VCV002630978.1), dbSNP rs752049045, ClinGen allele CA6255437.